The following is an entry in ClinVar:

ClinVar aggregate classification (germline): Likely benign. Review status: criteria provided, single submitter (1 of 4 stars). 2 submissions from 2 submitters: Likely benign (1). 1 of the submissions does not count toward it. Last evaluated 2023-07-17.

Conditions:
AP5Z1-related disorder. Also called: AP5Z1-related condition.
Hereditary spastic paraplegia 48. Also called: SPASTIC PARAPLEGIA 48, AUTOSOMAL RECESSIVE; Spastic paraplegia 48. Identifiers: Orphanet 306511, MedGen C3150901, MONDO:0013342, OMIM 613647.

Allele frequency attached by ClinVar (database versions not stated): ExAC 0.00002; gnomAD exomes 0.00003 and 0.00007; gnomAD 0.00005; TOPMed 0.00005; ESP Exome Variant Server 0.00008.
gnomAD v4.1: 51 of 1,545,774 alleles (0.0033%); highest among the groups gnomAD compares: Admixed American, 0.011%; no homozygotes.

Submissions (2):

Labcorp Genetics (formerly Invitae), Labcorp
Classification: Likely benign for Hereditary spastic paraplegia 48. Last evaluated: 2023-07-17. Review status: criteria provided, single submitter. Criteria: Invitae Variant Classification Sherloc (09022015). Collection method: clinical testing. Allele origin: germline.

PreventionGenetics, part of Exact Sciences
Classification: Likely benign for AP5Z1-related condition. Last evaluated: 2019-07-10. Review status: no assertion criteria provided. Collection method: clinical testing. Allele origin: germline. Not counted in ClinVar's aggregate classification.
Comment: This variant is classified as likely benign based on ACMG/AMP sequence variant interpretation guidelines (Richards et al. 2015 PMID: 25741868, with internal and published modifications).

NM_014855.3(AP5Z1):c.366+9G>A

Gene: AP5Z1 (adaptor related protein complex 5 subunit zeta 1; plus strand). Cytogenetic location: 7p22.1.
Variant type: single nucleotide variant.
Coding change: c.366+9G>A on transcript NM_014855.3 (MANE Select); 9 bases into the intron after coding-DNA position 366, G replaced by A.
Molecular consequence: intron variant.
Genome position (GRCh38, 1-based): chr7:4,781,763, G>A. VCF-style: chr7-4781763-G-A. GRCh37 (hg19) VCF-style: chr7-4821394-G-A.
Other names: c.366+9G>A (NM_014855.2); c.-103+451G>A (NM_001364858.1).
Identifiers: ClinVar variation 1636826 (VCV001636826.10), dbSNP rs374673755, ClinGen allele CA4137158.